The following is an entry in ClinVar:

ClinVar aggregate classification (germline): Uncertain significance. Review status: criteria provided, multiple submitters, no conflicts (2 of 4 stars). 3 submissions from 3 submitters: Uncertain significance (3). Last evaluated 2022-08-23.

Conditions:
Brown-Vialetto-van Laere syndrome 2. Also called: SPINOCEREBELLAR ATAXIA WITH BLINDNESS AND DEAFNESS 2; Riboflavin transporter deficiency type 2. Identifiers: Orphanet 572543, Orphanet 97229, MedGen C3553538, MONDO:0013867, OMIM 614707.

Allele frequency attached by ClinVar (database versions not stated): gnomAD exomes 0.00004; TOPMed 0.00010.

Submissions (3):

Labcorp Genetics (formerly Invitae), Labcorp
Classification: Uncertain significance for Brown-Vialetto-van Laere syndrome 2. Last evaluated: 2022-08-23. Review status: criteria provided, single submitter. Criteria: Invitae Variant Classification Sherloc (09022015). Collection method: clinical testing. Allele origin: germline.
Comment: In summary, the available evidence is currently insufficient to determine the role of this variant in disease. Therefore, it has been classified as a Variant of Uncertain Significance. This sequence change replaces aspartic acid, which is acidic and polar, with asparagine, which is neutral and polar, at codon 186 of the SLC52A2 protein (p.Asp186Asn). This variant is present in population databases (rs782269382, gnomAD 0.02%). This variant has not been reported in the literature in individuals affected with SLC52A2-related conditions. ClinVar contains an entry for this variant (Variation ID: 838343). Advanced modeling of protein sequence and biophysical properties (such as structural, functional, and spatial information, amino acid conservation, physicochemical variation, residue mobility, and thermodynamic stability) performed at Invitae indicates that this missense variant is not expected to disrupt SLC52A2 protein function.

Department of Pathology and Laboratory Medicine, Sinai Health System
Classification: Uncertain significance for Brown-Vialetto-van Laere syndrome 2. Last evaluated: 2021-10-18. Review status: criteria provided, single submitter. Criteria: ACMG Guidelines, 2015. Collection method: research. Allele origin: germline.

Fulgent Genetics
Classification: Uncertain significance for Brown-Vialetto-van Laere syndrome 2. Last evaluated: 2021-10-17. Review status: criteria provided, single submitter. Criteria: ACMG Guidelines, 2015. Collection method: clinical testing. Allele origin: unknown.

NM_001363118.2(SLC52A2):c.556G>A (p.Asp186Asn)

Gene: SLC52A2 (solute carrier family 52 member 2; plus strand). Cytogenetic location: 8q24.3.
Variant type: single nucleotide variant.
Coding change: c.556G>A on transcript NM_001363118.2 (MANE Select); coding-DNA position 556, G replaced by A.
Protein change: p.Asp186Asn; replaces aspartic acid 186 with asparagine.
Molecular consequence: missense variant. On other transcripts: non-coding transcript variant (1), intron variant (1).
Genome position (GRCh38, 1-based): chr8:144,360,048, G>A. VCF-style: chr8-144360048-G-A. GRCh37 (hg19) VCF-style: chr8-145583708-G-A.
Other names: c.556G>A, p.Asp186Asn (NM_001253815.2, NM_001253816.2, NM_001363120.2 and 2 more transcripts); c.131-67G>A (NM_001363122.2); short protein forms D186N.
Identifiers: ClinVar variation 838343 (VCV000838343.7), dbSNP rs782269382, ClinGen allele CA4938223.
Genomic context (GRCh38, chr8:144,360,048, plus strand): 5'-GGTGTGGGCCGCCTCGAGTGCCCGCCAGCCCCCATCAACGGCACCCCTGGCCCCCCGCTC[G>A]ACTTCCTTGAGCGTTTTCCCGCCAGCACCTTCTTCTGGGCACTGACTGCCCTTCTGGTCG-3'
Protein context (NP_001350047.1, residues 176-196): PINGTPGPPL[Asp186Asn]FLERFPASTF